The following is an entry in ClinVar:

ClinVar aggregate classification (germline): Pathogenic/Likely pathogenic. Review status: criteria provided, multiple submitters, no conflicts (2 of 4 stars). 5 submissions from 5 submitters: Pathogenic (2); Likely pathogenic (1). 2 of the submissions do not count toward it. Last evaluated 2025-06-02.

Conditions:
Methylcrotonyl-CoA carboxylase deficiency. Also called: 3-MCC Deficiency; 3 Methylcrotonylglycinuria; Deficiency of methylcrotonoyl-CoA carboxylase. Identifiers: Orphanet 6, MedGen C4551505, MONDO:0018950.
Autism spectrum disorder. Also called: Autism spectrum disorders. Identifiers: MedGen C1510586, MeSH D000067877, MONDO:0005258.
3-methylcrotonyl-CoA carboxylase 2 deficiency. Also called: 3 alpha methylcrotonyl-CoA carboxylase 2 deficiency; 3 alpha methylcrotonylglycinuria 2; MCC 2 deficiency; Methylcrotonylglycinuria type 2; METHYLCROTONYLGLYCINURIA, TYPE II. Identifiers: Orphanet 6, MedGen C1859499, MONDO:0008862, OMIM 210210.

Allele frequency attached by ClinVar (database versions not stated): gnomAD exomes below 0.00001; ExAC 0.00001.

Submissions (5):

Women's Health and Genetics/Laboratory Corporation of America, LabCorp
Classification: Pathogenic for Methylcrotonyl-CoA carboxylase deficiency. Last evaluated: 2025-06-02. Review status: criteria provided, single submitter. Criteria: LabCorp Variant Classification Summary - May 2015. Collection method: clinical testing. Allele origin: germline.
Comment: Variant summary: MCCC2 c.929C>G (p.Pro310Arg) results in a non-conservative amino acid change in the encoded protein sequence. Algorithms developed to predict the effect of missense changes on protein structure and function all suggest that this variant is likely to be disruptive. The variant allele was found at a frequency of 4e-06 in 251434 control chromosomes. c.929C>G has been observed in individual(s) affected with Methylcrotonyl-CoA Carboxylase Deficiency (examples: Dantas_2005, Cheng_2023, Internal data). These data indicate that the variant is likely to be associated with disease. At least one publication reports experimental evidence evaluating an impact on protein function. The most pronounced variant effect results in <10% of normal activity (Dantas_2005). The following publications have been ascertained in the context of this evaluation (PMID: 36822454, 16010683). ClinVar contains an entry for this variant (Variation ID: 1922). Based on the evidence outlined above, the variant was classified as pathogenic.

Labcorp Genetics (formerly Invitae), Labcorp
Classification: Pathogenic for 3-methylcrotonyl-CoA carboxylase 2 deficiency. Last evaluated: 2025-05-29. Review status: criteria provided, single submitter. Criteria: Invitae Variant Classification Sherloc (09022015). Collection method: clinical testing. Allele origin: germline.
Comment: This sequence change replaces proline, which is neutral and non-polar, with arginine, which is basic and polar, at codon 310 of the MCCC2 protein (p.Pro310Arg). This variant is present in population databases (rs119103221, gnomAD 0.006%). This missense change has been observed in individual(s) with 3-methylcrotonyl-CoA carboxylase deficiency (PMID: 11181649, 22642865; internal data). ClinVar contains an entry for this variant (Variation ID: 1922). Invitae Evidence Modeling of protein sequence and biophysical properties (such as structural, functional, and spatial information, amino acid conservation, physicochemical variation, residue mobility, and thermodynamic stability) indicates that this missense variant is expected to disrupt MCCC2 protein function with a positive predictive value of 80%. Experimental studies have shown that this missense change affects MCCC2 function (PMID: 11181649). For these reasons, this variant has been classified as Pathogenic.

Natera, Inc.
Classification: Likely pathogenic for 3-methylcrotonyl-CoA carboxylase 2 deficiency. Last evaluated: 2025-03-07. Review status: criteria provided, single submitter. Criteria: Natera Variant Classification Schema (03/2026). Collection method: clinical testing. Allele origin: germline.
Comment: The c.929C>G variant in MCCC2 is a missense variant predicted to cause substitution of proline to arginine at amino acid 310. This variant is rare in the general population with a frequency below the threshold expected for the associated phenotype(s). This variant has been observed in one or more individuals affected with the associated recessive disease, as either homozygous or compound heterozygous with a second variant (PMID: 11181649, 22642865, 36822454). Functional studies show that this variant may disrupt protein function (PMID: 11181649). Computational prediction algorithms indicate this variant is likely to affect gene or protein function. Given the available evidence, this variant is classified as Likely Pathogenic.

Gene Friend Way, National Innovation Center
Classification: Pathogenic for Autism spectrum disorder. Last evaluated: 2023-07-28. Review status: no assertion criteria provided. Collection method: clinical testing. Allele origin: unknown. Affected: yes. Observed: 1 variant allele. Not counted in ClinVar's aggregate classification.
Comment: 3-methylcrotonyl-CoA carboxylase (3MCC) deficiency involves mutations in the MCCC1 or MCCC2 genes and impaired leucine metabolism. This missense change has been confirmed to affect MCCC2 function and can be observed in individual(s) with 3-methylcrotonyl-CoA carboxylase deficiency (PMID: 11181649). Mutations in MCCC2 had been found to be associated with ASD (PMID: 31209396).

OMIM
Classification: Pathogenic for 3-METHYLCROTONYL-CoA CARBOXYLASE 2 DEFICIENCY. Last evaluated: 2001-02-01. Review status: no assertion criteria provided. Collection method: literature only. Allele origin: germline. Not counted in ClinVar's aggregate classification.

Literature cited by the submitters: PubMed 16010683 (cited by Women's Health and Genetics/Laboratory Corporation of America, LabCorp); PubMed 36822454 (cited by Women's Health and Genetics/Laboratory Corporation of America, LabCorp and Natera, Inc.); PubMed 11181649 (cited by 3 submitters); PubMed 22642865 (cited by Labcorp Genetics (formerly Invitae), Labcorp and Natera, Inc.).

NM_022132.5(MCCC2):c.929C>G (p.Pro310Arg)

Gene: MCCC2 (methylcrotonyl-CoA carboxylase subunit 2; plus strand). Cytogenetic location: 5q13.2.
Variant type: single nucleotide variant.
Coding change: c.929C>G on transcript NM_022132.5 (MANE Select); coding-DNA position 929, C replaced by G.
Protein change: p.Pro310Arg; replaces proline 310 with arginine.
Molecular consequence: missense variant.
Genome position (GRCh38, 1-based): chr5:71,635,176, C>G. VCF-style: chr5-71635176-C-G. GRCh37 (hg19) VCF-style: chr5-70931003-C-G.
Other names: c.815C>G, p.Pro272Arg (NM_001363147.1); short protein forms P310R, P272R.
Identifiers: ClinVar variation 1922 (VCV000001922.22), dbSNP rs119103221, ClinGen allele CA251968.